The following is an entry in ClinVar:

ClinVar aggregate classification (germline): Conflicting classifications of pathogenicity. Review status: criteria provided, conflicting classifications (1 of 4 stars). 5 submissions from 5 submitters: Uncertain significance (1); Benign (1); Likely benign (3). Last evaluated 2026-01-28.

Conditions:
Duchenne muscular dystrophy (DMD). Also called: Duchenne Muscular Dystrophy (DMD); MUSCULAR DYSTROPHY, PSEUDOHYPERTROPHIC PROGRESSIVE, DUCHENNE TYPE. Identifiers: Orphanet 98896, MedGen C0013264, MONDO:0010679, OMIM 310200.
Cardiovascular phenotype. Identifiers: MedGen CN230736.

Allele frequency attached by ClinVar (database versions not stated): gnomAD exomes 0.00003 and 0.00007; gnomAD 0.00004 and 0.00005; TOPMed 0.00005; ExAC 0.00008; 1000 Genomes Project 0.00026; 1000 Genomes Project 30x 0.00042.
gnomAD v4.1: 36 of 1,207,558 alleles (0.003%); highest among the groups gnomAD compares: East Asian, 0.086%; no homozygotes.

Submissions (5):

Labcorp Genetics (formerly Invitae), Labcorp
Classification: Benign for Duchenne muscular dystrophy. Last evaluated: 2026-01-28. Review status: criteria provided, single submitter. Criteria: Invitae Variant Classification Sherloc (09022015). Collection method: clinical testing. Allele origin: germline.

Ambry Genetics
Classification: Likely benign for Cardiovascular phenotype. Last evaluated: 2025-11-17. Review status: criteria provided, single submitter. Criteria: Ambry Variant Classification Scheme 2023. Collection method: clinical testing. Allele origin: germline.

Blueprint Genetics
Classification: Likely benign. Last evaluated: 2023-11-30. Review status: criteria provided, single submitter. Criteria: ACMG Guidelines, 2015. Collection method: clinical testing. Allele origin: germline.

GeneDx
Classification: Likely benign. Last evaluated: 2017-09-01. Review status: criteria provided, single submitter. Criteria: GeneDx Variant Classification (06012015). Collection method: clinical testing. Allele origin: germline. Affected: yes.
Comment: This variant is considered likely benign or benign based on one or more of the following criteria: it is a conservative change, it occurs at a poorly conserved position in the protein, it is predicted to be benign by multiple in silico algorithms, and/or has population frequency not consistent with disease.

Laboratory for Molecular Medicine, Mass General Brigham Personalized Medicine
Classification: Uncertain significance. Last evaluated: 2015-06-22. Review status: criteria provided, single submitter. Criteria: LMM Criteria. Collection method: clinical testing. Allele origin: germline. Observed: 1 variant allele.
Comment: The p.Val2861Ala variant in DMD has not been previously reported in individuals with cardiomyopathy or muscular dystrophy, but has been identified in 6/6505 Eas t Asian chromosomes, including 2 hemizygous males, by the Exome Aggregation Con sortium (ExAC; dbSNP rs181284440). Computational prediction tools and conservation analysis suggest that the p.Val2861Ala varian t may impact the protein, though this information is not predictive enough to de termine pathogenicity. In summary, the clinical significance of the p.Val2861Ala variant is uncertain.

Literature cited by the submitters: PubMed 31983221 (cited by Ambry Genetics).

NM_004006.3(DMD):c.8582T>C (p.Val2861Ala)

Gene: DMD (dystrophin; minus strand). Cytogenetic location: Xp21.2.
Variant type: single nucleotide variant.
Coding change: c.8582T>C on transcript NM_004006.3 (MANE Select); coding-DNA position 8582, T replaced by C.
Protein change: p.Val2861Ala; replaces valine 2861 with alanine.
Molecular consequence: missense variant.
Genome position (GRCh38, 1-based): chrX:31,479,069, A>G on the plus strand (T>C on the coding strand, the complement: DMD is on the minus strand). VCF-style: chrX-31479069-A-G. GRCh37 (hg19) VCF-style: chrX-31497186-A-G.
Other names: c.8558T>C, p.Val2853Ala (NM_000109.4); c.8570T>C, p.Val2857Ala (NM_004009.3); c.8213T>C, p.Val2738Ala (NM_004010.3); c.4559T>C, p.Val1520Ala (NM_004011.4); c.4550T>C, p.Val1517Ala (NM_004012.4); c.1202T>C, p.Val401Ala (NM_004013.3, NM_004020.4, NM_004021.3 and 2 more transcripts); c.395T>C, p.Val132Ala (NM_004014.3); short protein forms V2861A, V2738A, V401A, V1517A, V2853A, V2857A, V132A, V1520A.
Identifiers: ClinVar variation 228595 (VCV000228595.18), dbSNP rs181284440, ClinGen allele CA10378030.